The following is an entry in ClinVar:

NM_003628.6(PKP4):c.3407C>G (p.Pro1136Arg)

Genes: PKP4 (plakophilin 4; plus strand), PKP4-AS1 (PKP4 antisense RNA 1; minus strand). Cytogenetic location: 2q24.1.
Variant type: single nucleotide variant.
Coding change: c.3407C>G on transcript NM_003628.6 (MANE Select); coding-DNA position 3407, C replaced by G.
Protein change: p.Pro1136Arg; replaces proline 1136 with arginine.
Molecular consequence: missense variant.
Genome position (GRCh38, 1-based): chr2:158,680,505, C>G. VCF-style: chr2-158680505-C-G. GRCh37 (hg19) VCF-style: chr2-159537017-C-G.
Other names: c.3278C>G, p.Pro1093Arg (NM_001005476.4, NM_001377225.1); c.3404C>G, p.Pro1135Arg (NM_001304969.3, NM_001377219.1, NM_001377220.1 and 1 more transcripts); c.2378C>G, p.Pro793Arg (NM_001304970.3); c.3407C>G, p.Pro1136Arg (NM_001377218.1); c.3401C>G, p.Pro1134Arg (NM_001377222.1, NM_001377223.1); c.3398C>G, p.Pro1133Arg (NM_001377224.1); c.3275C>G, p.Pro1092Arg (NM_001377226.1); short protein forms P1133R, P1134R, P1136R, P1092R, P1135R, P1093R, P793R.
Identifiers: ClinVar variation 3889684 (VCV003889684.1).

ClinVar aggregate classification (germline): Uncertain significance (1 of 4 stars; one submission).

gnomAD v4.1: 1 of 1,613,102 alleles (0.000062%); highest among the groups gnomAD compares: Non-Finnish European, 0.000085%; no homozygotes.

Submission:

Ambry Genetics
Classification: Uncertain significance. Last evaluated: 2024-12-31. Review status: criteria provided, single submitter. Criteria: Ambry Variant Classification Scheme 2023. Collection method: clinical testing. Allele origin: germline.
Comment: The p.P1136R variant (also known as c.3407C>G), located in coding exon 21 of the PKP4 gene, results from a C to G substitution at nucleotide position 3407. The proline at codon 1136 is replaced by arginine, an amino acid with dissimilar properties. This amino acid position is conserved. In addition, this alteration is predicted to be deleterious by in silico analysis. Based on the available evidence, the clinical significance of this variant remains unclear.